The following is an entry in ClinVar:

NM_002439.5(MSH3):c.2015T>G (p.Ile672Ser)

Gene: MSH3 (mutS homolog 3; plus strand). Cytogenetic location: 5q14.1.
Variant type: single nucleotide variant.
Coding change: c.2015T>G on transcript NM_002439.5 (MANE Select); coding-DNA position 2015, T replaced by G.
Protein change: p.Ile672Ser; replaces isoleucine 672 with serine.
Molecular consequence: missense variant.
Genome position (GRCh38, 1-based): chr5:80,768,051, T>G. VCF-style: chr5-80768051-T-G. GRCh37 (hg19) VCF-style: chr5-80063870-T-G.
Other names: short protein forms I672S.
Identifiers: ClinVar variation 1478655 (VCV001478655.8), dbSNP rs888955838, ClinGen allele CA360277754.

ClinVar aggregate classification (germline): Uncertain significance (1 of 4 stars; one submission).

Submission:

Labcorp Genetics (formerly Invitae), Labcorp
Classification: Uncertain significance. Last evaluated: 2024-03-11. Review status: criteria provided, single submitter. Criteria: Invitae Variant Classification Sherloc (09022015). Collection method: clinical testing. Allele origin: germline.
Comment: This sequence change replaces isoleucine, which is neutral and non-polar, with serine, which is neutral and polar, at codon 672 of the MSH3 protein (p.Ile672Ser). This variant is not present in population databases (gnomAD no frequency). This variant has not been reported in the literature in individuals affected with MSH3-related conditions. ClinVar contains an entry for this variant (Variation ID: 1478655). An algorithm developed to predict the effect of missense changes on protein structure and function (PolyPhen-2) suggests that this variant is likely to be tolerated. In summary, the available evidence is currently insufficient to determine the role of this variant in disease. Therefore, it has been classified as a Variant of Uncertain Significance.